The following is an entry in ClinVar:

ClinVar aggregate classification (germline): Likely benign (0 of 4 stars; one submission).

Conditions:
GALT-related disorder. Also called: GALT-related condition.

Allele frequency attached by ClinVar (database versions not stated): gnomAD exomes 0.00001; ExAC 0.00002.
gnomAD v4.1: 17 of 1,614,152 alleles (0.0011%); highest among the groups gnomAD compares: Non-Finnish European, 0.0014%; no homozygotes.

Submission:

PreventionGenetics, part of Exact Sciences
Classification: Likely benign for GALT-related condition. Last evaluated: 2019-06-12. Review status: no assertion criteria provided. Collection method: clinical testing. Allele origin: germline.
Comment: This variant is classified as likely benign based on ACMG/AMP sequence variant interpretation guidelines (Richards et al. 2015 PMID: 25741868, with internal and published modifications).

NM_000155.4(GALT):c.508-37C>T

Gene: GALT (galactose-1-phosphate uridylyltransferase; plus strand). Cytogenetic location: 9p13.3.
Variant type: single nucleotide variant.
Coding change: c.508-37C>T on transcript NM_000155.4 (MANE Select); 37 bases into the intron before coding-DNA position 508, C replaced by T.
Molecular consequence: intron variant.
Genome position (GRCh38, 1-based): chr9:34,648,078, C>T. VCF-style: chr9-34648078-C-T. GRCh37 (hg19) VCF-style: chr9-34648075-C-T.
Other names: c.181-37C>T (NM_001258332.2).
Identifiers: ClinVar variation 3034273 (VCV003034273.2), dbSNP rs749869608, ClinGen allele CA5036145.